The following is an entry in ClinVar:

ClinVar aggregate classification (germline): Uncertain significance (1 of 4 stars; one submission).

Conditions:
Early-infantile DEE. Also called: Ohtahara syndrome; Early infantile epileptic encephalopathy with suppression bursts; Early infantile epileptic encephalopathy. Identifiers: Orphanet 1934, MedGen C0393706, MONDO:0800491.

Allele frequency attached by ClinVar (database versions not stated): TOPMed 0.00002; gnomAD 0.00005.
gnomAD v4.1: 7 of 151,280 alleles (0.0046%); highest among the groups gnomAD compares: South Asian, 0.021%; no homozygotes.

Submission:

Labcorp Genetics (formerly Invitae), Labcorp
Classification: Uncertain significance for Early-infantile DEE. Last evaluated: 2025-09-02. Review status: criteria provided, single submitter. Criteria: Invitae Variant Classification Sherloc (09022015). Collection method: clinical testing. Allele origin: germline.
Comment: This sequence change falls in intron 20 of the SCN1A gene. It does not directly change the encoded amino acid sequence of the SCN1A protein. However, this sequence change falls within a region encompassing a cryptic exon in the SCN1A gene, in which variants have been shown to alter splicing (PMID: 30526861, 34107977). This variant is present in population databases (rs539034474, gnomAD 0.01%). This variant has not been reported in the literature in individuals affected with SCN1A-related conditions. ClinVar contains an entry for this variant (Variation ID: 1962394). Algorithms developed to predict the effect of sequence changes on RNA splicing suggest that this variant is not likely to affect RNA splicing. In summary, the available evidence is currently insufficient to determine the role of this variant in disease. Therefore, it has been classified as a Variant of Uncertain Significance.

Literature cited by the submitters: PubMed 30526861; PubMed 34107977.

NM_001165963.4(SCN1A):c.4002+2089G>A

Genes: SCN1A (sodium voltage-gated channel alpha subunit 1; minus strand), LOC102724058 (uncharacterized LOC102724058; plus strand). Cytogenetic location: 2q24.3.
Variant type: single nucleotide variant.
Coding change: c.4002+2089G>A on transcript NM_001165963.4 (MANE Select); 2089 bases into the intron after coding-DNA position 4002, G replaced by A.
Molecular consequence: intron variant.
Genome position (GRCh38, 1-based): chr2:166,007,630, C>T on the plus strand (G>A on the coding strand, the complement: SCN1A is on the minus strand). VCF-style: chr2-166007630-C-T. GRCh37 (hg19) VCF-style: chr2-166864140-C-T.
Other names: c.3969+2089G>A (NM_001353949.2, NM_001353950.2, NM_001353951.2 and 2 more transcripts); c.3918+2089G>A (NM_001353958.2, NM_001353957.2, NM_001165964.3); c.4002+2089G>A (NM_001202435.3, NM_001353948.2); c.3966+2089G>A (NM_001353955.2, NM_001353954.2); c.3915+2089G>A (NM_001353960.2); c.1560+2089G>A (NM_001353961.2).
Identifiers: ClinVar variation 1962394 (VCV001962394.5), dbSNP rs539034474, ClinGen allele CA59771710.